The following is an entry in ClinVar:

NM_000031.6(ALAD):c.264C>T (p.Asp88=)

Gene: ALAD (aminolevulinate dehydratase; minus strand). Cytogenetic location: 9q32.
Variant type: single nucleotide variant.
Coding change: c.264C>T on transcript NM_000031.6 (MANE Select); coding-DNA position 264, C replaced by T.
Protein change: p.Asp88=; no amino-acid change (aspartic acid 88 retained).
Molecular consequence: synonymous variant.
Genome position (GRCh38, 1-based): chr9:113,390,931, G>A on the plus strand (C>T on the coding strand, the complement: ALAD is on the minus strand). VCF-style: chr9-113390931-G-A. GRCh37 (hg19) VCF-style: chr9-116153211-G-A.
Other names: c.351C>T, p.Asp117= (NM_001003945.3); c.240C>T, p.Asp80= (NM_001317745.2).
Identifiers: ClinVar variation 364652 (VCV000364652.11), dbSNP rs377534006, ClinGen allele CA5196539.

ClinVar aggregate classification (germline): Conflicting classifications of pathogenicity. Review status: criteria provided, conflicting classifications (1 of 4 stars). 3 submissions from 3 submitters: Uncertain significance (1); Likely benign (1). 1 of the submissions does not count toward it. Last evaluated 2022-02-09.

Conditions:
Porphobilinogen synthase deficiency. Also called: ALAD DEFICIENCY; DELTA-AMINOLEVULINATE DEHYDRATASE DEFICIENCY; DOSS PORPHYRIA; PORPHYRIA, ALAD; Porphyria due to ALA dehydratase deficiency. Identifiers: Orphanet 100924, MedGen C0268328, MONDO:0013000, OMIM 612740.
ALAD-related disorder. Also called: ALAD-related condition.

Allele frequency attached by ClinVar (database versions not stated): ESP Exome Variant Server 0.00008; gnomAD 0.00011 and 0.00012; gnomAD exomes 0.00011; TOPMed 0.00010; ExAC 0.00012.
gnomAD v4.1: 180 of 1,613,980 alleles (0.011%); highest among the groups gnomAD compares: Non-Finnish European, 0.014%; no homozygotes.

Submissions (3):

Labcorp Genetics (formerly Invitae), Labcorp
Classification: Likely benign. Last evaluated: 2022-02-09. Review status: criteria provided, single submitter. Criteria: Invitae Variant Classification Sherloc (09022015). Collection method: clinical testing. Allele origin: germline.

Illumina Laboratory Services, Illumina
Classification: Uncertain significance for Porphobilinogen synthase deficiency. Last evaluated: 2018-01-13. Review status: criteria provided, single submitter. Criteria: ICSL Variant Classification Criteria 13 December 2019. Collection method: clinical testing. Allele origin: germline.

PreventionGenetics, part of Exact Sciences
Classification: Likely benign for ALAD-related condition. Last evaluated: 2019-06-20. Review status: no assertion criteria provided. Collection method: clinical testing. Allele origin: germline. Not counted in ClinVar's aggregate classification.
Comment: This variant is classified as likely benign based on ACMG/AMP sequence variant interpretation guidelines (Richards et al. 2015 PMID: 25741868, with internal and published modifications).